The following is an entry in ClinVar:

NM_019888.3(MC3R):c.594C>T (p.Ala198=)

Gene: MC3R (melanocortin 3 receptor; plus strand). Cytogenetic location: 20q13.2.
Variant type: single nucleotide variant.
Coding change: c.594C>T on transcript NM_019888.3 (MANE Select); coding-DNA position 594, C replaced by T.
Protein change: p.Ala198=; no amino-acid change (alanine 198 retained).
Molecular consequence: synonymous variant.
Genome position (GRCh38, 1-based): chr20:56,249,437, C>T. VCF-style: chr20-56249437-C-T. GRCh37 (hg19) VCF-style: chr20-54824493-C-T.
Identifiers: ClinVar variation 3355352 (VCV003355352.2).
Genomic context (GRCh38, chr20:56,249,437, plus strand): 5'-GTTCATCGTCTACTCGGAGAGCAAAATGGTCATTGTGTGCCTCATCACCATGTTCTTCGC[C>T]ATGATGCTCCTCATGGGCACCCTCTACGTGCACATGTTCCTCTTTGCGCGGCTGCACGTC-3'
Protein context (NP_063941.3, residues 188-208): VIVCLITMFF[Ala198=]MMLLMGTLYV

ClinVar aggregate classification (germline): Uncertain significance. Review status: criteria provided, single submitter (1 of 4 stars). 2 submissions from 2 submitters: Uncertain significance (1). 1 of the submissions does not count toward it. Last evaluated 2025-09-10.

Conditions:
MC3R-related disorder. Also called: MC3R-related condition.

Submissions (2):

Labcorp Genetics (formerly Invitae), Labcorp
Classification: Uncertain significance. Last evaluated: 2025-09-10. Review status: criteria provided, single submitter. Criteria: Invitae Variant Classification Sherloc (09022015). Collection method: clinical testing. Allele origin: germline.
Comment: This sequence change affects codon 198 of the MC3R mRNA. It is a 'silent' change, meaning that it does not change the encoded amino acid sequence of the MC3R protein. This variant is present in population databases (rs367963530, gnomAD 0.01%). This variant has not been reported in the literature in individuals affected with MC3R-related conditions. ClinVar contains an entry for this variant (Variation ID: 3355352). In summary, the available evidence is currently insufficient to determine the role of this variant in disease. Therefore, it has been classified as a Variant of Uncertain Significance.

PreventionGenetics, part of Exact Sciences
Classification: Likely benign for MC3R-related condition. Last evaluated: 2021-10-13. Review status: no assertion criteria provided. Collection method: clinical testing. Allele origin: germline. Not counted in ClinVar's aggregate classification.
Comment: This variant is classified as likely benign based on ACMG/AMP sequence variant interpretation guidelines (Richards et al. 2015 PMID: 25741868, with internal and published modifications).